The following is an entry in ClinVar:

ClinVar aggregate classification (germline): Conflicting classifications of pathogenicity. Review status: criteria provided, conflicting classifications (1 of 4 stars). 2 submissions from 2 submitters: Uncertain significance (1); Likely benign (1). Last evaluated 2026-04-17.

Allele frequency attached by ClinVar (database versions not stated): ExAC 0.00005; gnomAD 0.00016; ESP Exome Variant Server 0.00017; TOPMed 0.00025.
gnomAD v4.1: 59 of 1,591,662 alleles (0.0037%); highest among the groups gnomAD compares: African/African-American, 0.057%; no homozygotes.

Submissions (2):

GeneDx
Classification: Likely benign. Last evaluated: 2026-04-17. Review status: criteria provided, single submitter. Criteria: GeneDx Variant Classification Process June 2021. Collection method: clinical testing. Allele origin: germline.
Comment: See Variant Classification Assertion Criteria.

Labcorp Genetics (formerly Invitae), Labcorp
Classification: Uncertain significance. Last evaluated: 2024-02-01. Review status: criteria provided, single submitter. Criteria: Invitae Variant Classification Sherloc (09022015). Collection method: clinical testing. Allele origin: germline.
Comment: This sequence change falls in intron 14 of the NAA15 gene. It does not directly change the encoded amino acid sequence of the NAA15 protein. It affects a nucleotide within the consensus splice site. This variant is present in population databases (rs368147138, gnomAD 0.05%), and has an allele count higher than expected for a pathogenic variant. This variant has not been reported in the literature in individuals affected with NAA15-related conditions. ClinVar contains an entry for this variant (Variation ID: 2192823). Variants that disrupt the consensus splice site are a relatively common cause of aberrant splicing (PMID: 17576681, 9536098). Algorithms developed to predict the effect of sequence changes on RNA splicing suggest that this variant is not likely to affect RNA splicing. In summary, the available evidence is currently insufficient to determine the role of this variant in disease. Therefore, it has been classified as a Variant of Uncertain Significance.

Literature cited by the submitters: PubMed 17576681 (cited by Labcorp Genetics (formerly Invitae), Labcorp); PubMed 9536098 (cited by Labcorp Genetics (formerly Invitae), Labcorp).

NM_057175.5(NAA15):c.1753+5A>G

Gene: NAA15 (N-alpha-acetyltransferase 15, NatA auxiliary subunit; plus strand). Cytogenetic location: 4q31.1.
Variant type: single nucleotide variant.
Coding change: c.1753+5A>G on transcript NM_057175.5 (MANE Select); 5 bases into the intron after coding-DNA position 1753, A replaced by G.
Molecular consequence: intron variant.
Genome position (GRCh38, 1-based): chr4:139,361,942, A>G. VCF-style: chr4-139361942-A-G. GRCh37 (hg19) VCF-style: chr4-140283096-A-G.
Identifiers: ClinVar variation 2192823 (VCV002192823.5), dbSNP rs368147138, ClinGen allele CA3083691.